The following is an entry in ClinVar:

NM_001204.7(BMPR2):c.2990A>G (p.Asp997Gly)

Gene: BMPR2 (bone morphogenetic protein receptor type 2; plus strand). Cytogenetic location: 2q33.2.
Variant type: single nucleotide variant.
Coding change: c.2990A>G on transcript NM_001204.7 (MANE Select); coding-DNA position 2990, A replaced by G.
Protein change: p.Asp997Gly; replaces aspartic acid 997 with glycine.
Molecular consequence: missense variant.
Genome position (GRCh38, 1-based): chr2:202,559,819, A>G. VCF-style: chr2-202559819-A-G. GRCh37 (hg19) VCF-style: chr2-203424542-A-G.
Other names: short protein forms D997G.
Identifiers: ClinVar variation 3992107 (VCV003992107.1).

ClinVar aggregate classification (germline): Uncertain significance (1 of 4 stars; one submission).

Conditions:
Inborn genetic diseases. Identifiers: MedGen C0950123, MeSH D030342.

gnomAD v4.1: 3 of 1,614,024 alleles (0.00019%); highest among the groups gnomAD compares: Non-Finnish European, 0.00025%; no homozygotes.

Submission:

Ambry Genetics
Classification: Uncertain significance for Inborn genetic diseases. Last evaluated: 2025-04-09. Review status: criteria provided, single submitter. Criteria: Ambry Variant Classification Scheme 2023. Collection method: clinical testing. Allele origin: germline.
Comment: The p.D997G variant (also known as c.2990A>G), located in coding exon 13 of the BMPR2 gene, results from an A to G substitution at nucleotide position 2990. The aspartic acid at codon 997 is replaced by glycine, an amino acid with similar properties. This amino acid position is conserved. In addition, this alteration is predicted to be tolerated by in silico analysis. Based on the available evidence, the clinical significance of this variant remains unclear.